The following is an entry in ClinVar:

NM_000257.4(MYH7):c.4645G>A (p.Ala1549Thr)

Genes: MHRT (myosin heavy chain associated RNA transcript; plus strand), MYH7 (myosin heavy chain 7; minus strand), LOC126861897 (BRD4-independent group 4 enhancer GRCh37_chr14:23884455-23885654; plus strand). Cytogenetic location: 14q11.2.
Variant type: single nucleotide variant.
Coding change: c.4645G>A on transcript NM_000257.4 (MANE Select); coding-DNA position 4645, G replaced by A.
Protein change: p.Ala1549Thr; replaces alanine 1549 with threonine.
Molecular consequence: missense variant.
Genome position (GRCh38, 1-based): chr14:23,416,312, C>T on the plus strand (G>A on the coding strand, the complement: MYH7 is on the minus strand). VCF-style: chr14-23416312-C-T. GRCh37 (hg19) VCF-style: chr14-23885521-C-T.
Other names: c.4645G>A, p.Ala1549Thr (NM_001407004.1); short protein forms A1549T.
Identifiers: ClinVar variation 4083109 (VCV004083109.2).

ClinVar aggregate classification (germline): Uncertain significance. Review status: criteria provided, multiple submitters, no conflicts (2 of 4 stars). 2 submissions from 2 submitters: Uncertain significance (2). Last evaluated 2025-12-21.

Conditions:
Hypertrophic cardiomyopathy. Also called: HYPERTROPHIC MYOCARDIOPATHY. Identifiers: Orphanet 217569, MedGen C0007194, MeSH D002312, MONDO:0005045, HP:0001639.

Submissions (2):

Labcorp Genetics (formerly Invitae), Labcorp
Classification: Uncertain significance for Hypertrophic cardiomyopathy. Last evaluated: 2025-12-21. Review status: criteria provided, single submitter. Criteria: Invitae Variant Classification Sherloc (09022015). Collection method: clinical testing. Allele origin: germline.
Comment: This sequence change replaces alanine, which is neutral and non-polar, with threonine, which is neutral and polar, at codon 1549 of the MYH7 protein (p.Ala1549Thr). This variant is not present in population databases (gnomAD no frequency). This variant has not been reported in the literature in individuals affected with MYH7-related conditions. ClinVar contains an entry for this variant (Variation ID: 4083109). An algorithm developed to predict the effect of missense changes on protein structure and function (PolyPhen-2) suggests that this variant is likely to be disruptive. This variant disrupts the p.Ala1549 amino acid residue in MYH7. Other variant(s) that disrupt this residue have been determined to be pathogenic (internal data). This suggests that this residue is clinically significant, and that variants that disrupt this residue are likely to be disease-causing. In summary, the available evidence is currently insufficient to determine the role of this variant in disease. Therefore, it has been classified as a Variant of Uncertain Significance.

GeneDx
Classification: Uncertain significance. Last evaluated: 2025-03-13. Review status: criteria provided, single submitter. Criteria: GeneDx Variant Classification Process June 2021. Collection method: clinical testing. Allele origin: germline. Affected: yes.
Comment: Not observed at significant frequency in large population cohorts (gnomAD); In silico analysis indicates that this missense variant does not alter protein structure/function; Has not been previously published as pathogenic or benign to our knowledge